The following is an entry in ClinVar:

NM_000431.4(MVK):c.371+8C>T

Gene: MVK (mevalonate kinase; plus strand). Cytogenetic location: 12q24.11.
Variant type: single nucleotide variant.
Coding change: c.371+8C>T on transcript NM_000431.4 (MANE Select); 8 bases into the intron after coding-DNA position 371, C replaced by T.
Molecular consequence: intron variant.
Genome position (GRCh38, 1-based): chr12:109,579,954, C>T. VCF-style: chr12-109579954-C-T. GRCh37 (hg19) VCF-style: chr12-110017759-C-T.
Other names: p.?; c.371+8C>T (LRG_156t1, NM_001301182.2, NM_001114185.3).
Identifiers: ClinVar variation 256113 (VCV000256113.38), dbSNP rs67886029, ClinGen allele CA6779227.

ClinVar aggregate classification (germline): Benign/Likely benign. Review status: criteria provided, multiple submitters, no conflicts (2 of 4 stars). 12 submissions from 11 submitters: Benign (9); Likely benign (1). 2 of the submissions do not count toward it. Last evaluated 2026-02-04.

Conditions:
Mevalonic aciduria (MEVA). Identifiers: Orphanet 29, MedGen C1959626, MONDO:0012481, OMIM 610377.
Porokeratosis 3, disseminated superficial actinic type (POROK3). Also called: POROKERATOSIS, DISSEMINATED SUPERFICIAL ACTINIC, 1; POROKERATOSIS 3, MIBELLI TYPE; POROKERATOSIS 3, MULTIPLE TYPES. Identifiers: MedGen C1867981, MONDO:0008293, OMIM 175900.
Hyperimmunoglobulin D with periodic fever (HIDS). Also called: Hyperimmunoglobulinemia D with periodic fever; HYPERIMMUNOGLOBULINEMIA D AND PERIODIC FEVER SYNDROME; Hyperimmunoglobulinemia D. Identifiers: Orphanet 343, MedGen C0398691, MONDO:0009849, OMIM 260920.

Allele frequency attached by ClinVar (database versions not stated): 1000 Genomes Project 30x 0.02530; 1000 Genomes Project 0.02676; TOPMed 0.05193; gnomAD 0.05513; ESP Exome Variant Server 0.05843.
gnomAD v4.1: 115,847 of 1,614,022 alleles (7.2%); highest among the groups gnomAD compares: Middle Eastern, 9.1%; 4,706 homozygotes.

Submissions (12):

Labcorp Genetics (formerly Invitae), Labcorp
Classification: Benign for Mevalonic aciduria; Hyperimmunoglobulin D with periodic fever; Porokeratosis 3, disseminated superficial actinic type. Last evaluated: 2026-02-04. Review status: criteria provided, single submitter. Criteria: Invitae Variant Classification Sherloc (09022015). Collection method: clinical testing. Allele origin: germline.

Women's Health and Genetics/Laboratory Corporation of America, LabCorp
Classification: Benign. Last evaluated: 2026-01-21. Review status: criteria provided, single submitter. Criteria: LabCorp Variant Classification Summary - May 2015. Collection method: clinical testing. Allele origin: germline.

ARUP Laboratories, Molecular Genetics and Genomics, ARUP Laboratories
Classification: Benign. Last evaluated: 2025-07-23. Review status: criteria provided, single submitter. Criteria: ARUP Molecular Germline Variant Investigation Process 2024. Collection method: clinical testing. Allele origin: germline.

Blueprint Genetics
Classification: Likely benign. Last evaluated: 2024-11-27. Review status: criteria provided, single submitter. Criteria: ACMG Guidelines, 2015. Collection method: clinical testing. Allele origin: germline.

Mayo Clinic Laboratories, Mayo Clinic
Classification: Benign. Last evaluated: 2022-04-29. Review status: criteria provided, single submitter. Criteria: ACMG Guidelines, 2015. Collection method: clinical testing. Allele origin: germline. Observed: 271 variant alleles.

Illumina Laboratory Services, Illumina
Classification: Benign for Mevalonic aciduria. Last evaluated: 2018-01-12. Review status: criteria provided, single submitter. Criteria: ICSL Variant Classification Criteria 13 December 2019. Collection method: clinical testing. Allele origin: germline.
Comment: This variant was observed in the ICSL laboratory as part of a predisposition screen in an ostensibly healthy population. It had not been previously curated by ICSL or reported in the Human Gene Mutation Database (HGMD: prior to June 1st, 2018), and was therefore a candidate for classification through an automated scoring system. Utilizing variant allele frequency, disease prevalence and penetrance estimates, and inheritance mode, an automated score was calculated to assess if this variant is too frequent to cause the disease. Based on the score and internal cut-off values, a variant classified as benign is not then subjected to further curation. The score for this variant resulted in a classification of benign for this disease.

Illumina Laboratory Services, Illumina
Classification: Benign for Hyperimmunoglobulin D with periodic fever. Last evaluated: 2018-01-12. Review status: criteria provided, single submitter. Criteria: ICSL Variant Classification Criteria 13 December 2019. Collection method: clinical testing. Allele origin: germline.
Comment: the same text as in the submission from Illumina Laboratory Services, Illumina above.

GeneDx
Classification: Benign. Last evaluated: 2015-03-03. Review status: criteria provided, single submitter. Criteria: GeneDx Variant Classification Process June 2021. Collection method: clinical testing. Allele origin: germline. Affected: yes.

Breakthrough Genomics
Classification: Benign. Review status: criteria provided, single submitter. Criteria: ACMG Guidelines, 2015. Collection method: not provided. Allele origin: germline. Inheritance: Autosomal recessive inheritance. Affected: yes.

PreventionGenetics, part of Exact Sciences
Classification: Benign. Review status: criteria provided, single submitter. Criteria: ACMG Guidelines, 2015. Collection method: clinical testing. Allele origin: germline.

Genome Diagnostics Laboratory, University Medical Center Utrecht
Classification: Benign. Review status: no assertion criteria provided. Collection method: clinical testing. Allele origin: germline. Affected: yes. Study: VKGL Data-share Consensus. Not counted in ClinVar's aggregate classification.

Joint Genome Diagnostic Labs from Nijmegen and Maastricht, Radboudumc and MUMC+
Classification: Benign. Review status: no assertion criteria provided. Collection method: clinical testing. Allele origin: germline. Affected: yes. Study: VKGL Data-share Consensus. Not counted in ClinVar's aggregate classification.